The following is an entry in ClinVar:

NM_001849.4(COL6A2):c.2809C>T (p.Arg937Trp)

Gene: COL6A2 (collagen type VI alpha 2 chain; plus strand). Cytogenetic location: 21q22.3.
Variant type: single nucleotide variant.
Coding change: c.2809C>T on transcript NM_001849.4 (MANE Select); coding-DNA position 2809, C replaced by T.
Protein change: p.Arg937Trp; replaces arginine 937 with tryptophan.
Molecular consequence: missense variant.
Genome position (GRCh38, 1-based): chr21:46,132,301, C>T. VCF-style: chr21-46132301-C-T. GRCh37 (hg19) VCF-style: chr21-47552215-C-T.
Other names: short protein forms R937W.
Identifiers: ClinVar variation 287935 (VCV000287935.16), dbSNP rs755352246, ClinGen allele CA10073031.

ClinVar aggregate classification (germline): Conflicting classifications of pathogenicity. Review status: criteria provided, conflicting classifications (1 of 4 stars). 3 submissions from 3 submitters: Pathogenic (1); Likely pathogenic (1); Uncertain significance (1). Last evaluated 2024-04-05.

Conditions:
Bethlem myopathy 1B (BTHLM1B). Identifiers: MedGen C5935580, MONDO:0958233, OMIM 620725.
Ullrich congenital muscular dystrophy 1B (UCMD1B). Identifiers: MedGen C5935582, MONDO:0958235, OMIM 620727.
Myosclerosis. Also called: Myosclerosis, congenital; MYOPATHY, MYOSCLEROTIC; MYOSCLEROSIS, CONGENITAL, OF LOWENTHAL. Identifiers: Orphanet 289380, MedGen C1850671, MONDO:0009714, OMIM 255600.
Bethlem myopathy 1A. Also called: Bethlem Muscular Dystrophy; MYOPATHY, BENIGN CONGENITAL, WITH CONTRACTURES; Bethlem myopathy 1. Identifiers: Orphanet 610, MedGen CN029274, MONDO:0024530, OMIM 158810.

Allele frequency attached by ClinVar (database versions not stated): gnomAD 0.00001; TOPMed 0.00001; ExAC 0.00002; gnomAD exomes 0.00002.
gnomAD v4.1: 38 of 1,606,052 alleles (0.0024%); highest among the groups gnomAD compares: Non-Finnish European, 0.0031%; no homozygotes.

Submissions (3):

Labcorp Genetics (formerly Invitae), Labcorp
Classification: Pathogenic for Bethlem myopathy 1A. Last evaluated: 2024-04-05. Review status: criteria provided, single submitter. Criteria: Invitae Variant Classification Sherloc (09022015). Collection method: clinical testing. Allele origin: germline.
Comment: This sequence change replaces arginine, which is basic and polar, with tryptophan, which is neutral and slightly polar, at codon 937 of the COL6A2 protein (p.Arg937Trp). This variant is present in population databases (rs755352246, gnomAD 0.004%). This missense change has been observed in individual(s) with clinical features of autosomal recessive type VI collagenopathies (PMID: 30564623; Invitae). In at least one individual the data is consistent with being in trans (on the opposite chromosome) from a pathogenic variant. ClinVar contains an entry for this variant (Variation ID: 287935). Advanced modeling of protein sequence and biophysical properties (such as structural, functional, and spatial information, amino acid conservation, physicochemical variation, residue mobility, and thermodynamic stability) performed at Invitae indicates that this missense variant is expected to disrupt COL6A2 protein function with a positive predictive value of 80%. For these reasons, this variant has been classified as Pathogenic.

Eurofins Ntd Llc (ga)
Classification: Uncertain significance. Last evaluated: 2016-05-04. Review status: criteria provided, single submitter. Criteria: EGL Classification Definitions 2015. Collection method: clinical testing. Allele origin: germline. Observed: 1 variant allele, 1 heterozygote.

Juno Genomics, Hangzhou Juno Genomics, Inc
Classification: Likely pathogenic for Bethlem myopathy 1B; Ullrich congenital muscular dystrophy 1B; Myosclerosis. Review status: criteria provided, single submitter. Criteria: ACMG Guidelines, 2015. Collection method: clinical testing. Allele origin: germline. Affected: yes.
Comment: Absent from controls (or at extremely low frequency if recessive) in Genome Aggregation Database, Exome Sequencing Project, 1000 Genomes Project, or Exome Aggregation Consortium.;Multiple lines of computational evidence support a deleterious effect on the gene or gene product (conservation, evolutionary, splicing impact, etc).;For recessive disorders, detected in trans with a pathogenic variant.;Patient's phenotype or family history is highly specific for a disease with a single genetic etiology.

Literature cited by the submitters: PubMed 30564623 (cited by Labcorp Genetics (formerly Invitae), Labcorp).